The following is an entry in ClinVar:

ClinVar aggregate classification (germline): Pathogenic (1 of 4 stars; one submission).

Conditions:
Hereditary angioedema type 1 (HAE1). Identifiers: Orphanet 100050, Orphanet 100051, Orphanet 91378, MedGen C2717906, MONDO:0015053, OMIM 106100.

Submission:

DNA-diagnostics Laboratory, Research Centre For Medical Genetics
Classification: Pathogenic for Hereditary angioedema type 1. Last evaluated: 2024-07-06. Review status: criteria provided, single submitter. Criteria: ACMG Guidelines, 2015. Collection method: research. Allele origin: germline. Inheritance: Autosomal dominant inheritance. Affected: yes. Observed: 1 heterozygote.
Comment: According to our observation and the published information of Kalmar et all, 2003, the c.1493C>G variant in SERPING1 meets ACMG/ClinGen SVI guidance criteria to be classified as pathogenic: PP3_Str, PS4_Mod, PM5, PM2_Sup, PP2, PP4

Literature cited by the submitters: PubMed 14635117.

NM_000062.3(SERPING1):c.1493C>G (p.Pro498Arg)

Gene: SERPING1 (serpin family G member 1; plus strand). Cytogenetic location: 11q12.1.
Variant type: single nucleotide variant.
Coding change: c.1493C>G on transcript NM_000062.3 (MANE Select); coding-DNA position 1493, C replaced by G.
Protein change: p.Pro498Arg; replaces proline 498 with arginine.
Molecular consequence: missense variant.
Genome position (GRCh38, 1-based): chr11:57,614,571, C>G. VCF-style: chr11-57614571-C-G. GRCh37 (hg19) VCF-style: chr11-57382044-C-G.
Other names: c.1493C>G, p.Pro498Arg (NM_001032295.2); short protein forms P498R.
Identifiers: ClinVar variation 3252009 (VCV003252009.2), dbSNP rs2495458739.
Genomic context (GRCh38, chr11:57,614,571, plus strand): 5'-TCTTCGTGCTCTGGGACCAGCAGCACAAGTTCCCTGTCTTCATGGGGCGAGTATATGACC[C>G]CAGGGCCTGAGACCTGCAGGATCAGGTTAGGGCGAGCGCTACCTCTCCAGCCTCAGCTCT-3'
Protein context (NP_000053.2, residues 488-500): FPVFMGRVYD[Pro498Arg]RA